The following is an entry in ClinVar:

ClinVar aggregate classification (germline): Uncertain significance (1 of 4 stars; one submission).

Conditions:
Spastic paraplegia. Identifiers: MedGen C0037772, HP:0001258.

Submission:

Labcorp Genetics (formerly Invitae), Labcorp
Classification: Uncertain significance for Spastic paraplegia. Last evaluated: 2023-06-17. Review status: criteria provided, single submitter. Criteria: Invitae Variant Classification Sherloc (09022015). Collection method: clinical testing. Allele origin: germline.
Comment: This sequence change replaces histidine, which is basic and polar, with glutamine, which is neutral and polar, at codon 926 of the KIF5A protein (p.His926Gln). This variant is not present in population databases (gnomAD no frequency). This variant has not been reported in the literature in individuals affected with KIF5A-related conditions. Advanced modeling of protein sequence and biophysical properties (such as structural, functional, and spatial information, amino acid conservation, physicochemical variation, residue mobility, and thermodynamic stability) performed at Invitae indicates that this missense variant is not expected to disrupt KIF5A protein function. In summary, the available evidence is currently insufficient to determine the role of this variant in disease. Therefore, it has been classified as a Variant of Uncertain Significance.

NM_004984.4(KIF5A):c.2778C>A (p.His926Gln)

Gene: KIF5A (kinesin family member 5A; plus strand). Cytogenetic location: 12q13.3.
Variant type: single nucleotide variant.
Coding change: c.2778C>A on transcript NM_004984.4 (MANE Select); coding-DNA position 2778, C replaced by A.
Protein change: p.His926Gln; replaces histidine 926 with glutamine.
Molecular consequence: missense variant.
Genome position (GRCh38, 1-based): chr12:57,581,437, C>A. VCF-style: chr12-57581437-C-A. GRCh37 (hg19) VCF-style: chr12-57975220-C-A.
Other names: c.2511C>A, p.His837Gln (NM_001354705.2); short protein forms H837Q, H926Q.
Identifiers: ClinVar variation 2718129 (VCV002718129.3), dbSNP rs2540515441, ClinGen allele CA385515614.